The following is an entry in ClinVar:

NM_001943.5(DSG2):c.926A>C (p.Asn309Thr)

Gene: DSG2 (desmoglein 2; plus strand). Cytogenetic location: 18q12.1.
Variant type: single nucleotide variant.
Coding change: c.926A>C on transcript NM_001943.5 (MANE Select); coding-DNA position 926, A replaced by C.
Protein change: p.Asn309Thr; replaces asparagine 309 with threonine.
Molecular consequence: missense variant.
Genome position (GRCh38, 1-based): chr18:31,524,800, A>C. VCF-style: chr18-31524800-A-C. GRCh37 (hg19) VCF-style: chr18-29104763-A-C.
Other names: short protein forms N309T.
Identifiers: ClinVar variation 3386580 (VCV003386580.1).

ClinVar aggregate classification (germline): Uncertain significance (1 of 4 stars; one submission).

Conditions:
Arrhythmogenic right ventricular cardiomyopathy (ARVD). Also called: Arrhythmogenic right ventricular dysplasia; Cardiomyopathy, ARVC; Arrhythmogenic cardiomyopathy; Arrhythmogenic Right Ventricular Cardiomyopathy (ARVC). Identifiers: Orphanet 247, MedGen C0349788, MeSH D019571, MONDO:0016587. Disease mechanism: loss of function. Inheritance: Various modes of inheritance.

Submission:

All of Us Research Program, National Institutes of Health
Classification: Uncertain significance for Arrhythmogenic right ventricular cardiomyopathy. Last evaluated: 2024-02-22. Review status: criteria provided, single submitter. Criteria: ACMG Guidelines, 2015. Collection method: clinical testing. Allele origin: germline. Inheritance: Autosomal dominant inheritance. Observed: 1 variant allele, 1 heterozygote.
Comment: This missense variant replaces asparagine with threonine at codon 309 of the DSG2 protein. Computational prediction suggests that this variant may not impact protein structure and function (internally defined REVEL score threshold <= 0.5, PMID: 27666373). To our knowledge, functional studies have not been reported for this variant. This variant has not been reported in individuals affected with DSG2-related disorders in the literature. This variant has not been identified in the general population by the Genome Aggregation Database (gnomAD). The available evidence is insufficient to determine the role of this variant in disease conclusively. Therefore, this variant is classified as a Variant of Uncertain Significance.

This study involves interpretation of variants in research participants for the purpose of population health screening. Participant phenotype was not available at the time of variant classification. Additional details can be found in publication PMID: 35346344, PMCID: PMC8962531